The following is an entry in ClinVar:

NM_000540.3(RYR1):c.14266G>A (p.Glu4756Lys)

Gene: RYR1 (ryanodine receptor 1; plus strand). Cytogenetic location: 19q13.2.
Variant type: single nucleotide variant.
Coding change: c.14266G>A on transcript NM_000540.3 (MANE Select); coding-DNA position 14266, G replaced by A.
Protein change: p.Glu4756Lys; replaces glutamic acid 4756 with lysine.
Molecular consequence: missense variant.
Genome position (GRCh38, 1-based): chr19:38,578,011, G>A. VCF-style: chr19-38578011-G-A. GRCh37 (hg19) VCF-style: chr19-39068651-G-A.
Other names: c.14251G>A, p.Glu4751Lys (NM_001042723.2); short protein forms E4751K, E4756K.
Identifiers: ClinVar variation 3072764 (VCV003072764.2), dbSNP rs375977113, ClinGen allele CA061019.

ClinVar aggregate classification (germline): Uncertain significance (1 of 4 stars; one submission).

Conditions:
Malignant hyperthermia, susceptibility to, 1 (MHS1). Also called: Anesthesia related hyperthermia; Malignant hyperpyrexia; Fulminating hyperpyrexia; Pharmacogenic myopathy; RYR1-Related Malignant Hyperthermia Susceptibility; Malignant hyperthermia suceptibility 1. Identifiers: Orphanet 423, MedGen C2930980, MONDO:0007783, OMIM 145600.

Allele frequency attached by ClinVar (database versions not stated): gnomAD exomes below 0.00001; ExAC 0.00001; gnomAD 0.00001; ESP Exome Variant Server 0.00008.
gnomAD v4.1: 5 of 1,613,992 alleles (0.00031%); highest among the groups gnomAD compares: East Asian, 0.0022%; no homozygotes.

Submission:

All of Us Research Program, National Institutes of Health
Classification: Uncertain significance for Malignant hyperthermia, susceptibility to, 1. Last evaluated: 2024-08-13. Review status: criteria provided, single submitter. Criteria: ACMG Guidelines, 2015. Collection method: clinical testing. Allele origin: germline. Inheritance: Autosomal dominant inheritance. Observed: 2 variant alleles, 2 heterozygotes.
Comment: This missense variant replaces glutamic acid with lysine at codon 4756 of the RYR1 protein. Computational prediction suggests that this variant may not impact protein structure and function (internally defined REVEL score threshold <= 0.5, PMID: 27666373). To our knowledge, functional studies have not been reported for this variant. This variant has not been reported in individuals affected with RYR1-related disorders in the literature. This variant has been identified in 2/251228 chromosomes in the general population by the Genome Aggregation Database (gnomAD). The available evidence is insufficient to determine the role of this variant in disease conclusively. Therefore, this variant is classified as a Variant of Uncertain Significance.

This study involves interpretation of variants in research participants for the purpose of population health screening. Participant phenotype was not available at the time of variant classification. Additional details can be found in publication PMID: 35346344, PMCID: PMC8962531